The following is an entry in ClinVar:

NM_001453.3(FOXC1):c.1027G>A (p.Gly343Arg)

Gene: FOXC1 (forkhead box C1; plus strand). Cytogenetic location: 6p25.3.
Variant type: single nucleotide variant.
Coding change: c.1027G>A on transcript NM_001453.3 (MANE Select); coding-DNA position 1027, G replaced by A.
Protein change: p.Gly343Arg; replaces glycine 343 with arginine.
Molecular consequence: missense variant.
Genome position (GRCh38, 1-based): chr6:1,611,472, G>A. VCF-style: chr6-1611472-G-A. GRCh37 (hg19) VCF-style: chr6-1611707-G-A.
Other names: short protein forms G343R.
Identifiers: ClinVar variation 1926956 (VCV001926956.5), dbSNP rs1455415866, ClinGen allele CA362560065.

ClinVar aggregate classification (germline): Uncertain significance (1 of 4 stars; one submission).

Conditions:
Axenfeld-Rieger syndrome type 3 (RIEG3). Also called: AXENFELD-RIEGER ANOMALY WITH CARDIAC DEFECTS AND/OR SENSORINEURAL HEARING LOSS. Identifiers: Orphanet 782, MedGen C2678503, MONDO:0011233, OMIM 602482.

Allele frequency attached by ClinVar (database versions not stated): gnomAD exomes below 0.00001; TOPMed below 0.00001.
gnomAD v4.1: 1 of 1,384,498 alleles (0.000072%); highest among the groups gnomAD compares: Non-Finnish European, 0.000094%; no homozygotes.

Submission:

Labcorp Genetics (formerly Invitae), Labcorp
Classification: Uncertain significance for Axenfeld-Rieger syndrome type 3. Last evaluated: 2025-05-12. Review status: criteria provided, single submitter. Criteria: Invitae Variant Classification Sherloc (09022015). Collection method: clinical testing. Allele origin: germline.
Comment: This sequence change replaces glycine, which is neutral and non-polar, with arginine, which is basic and polar, at codon 343 of the FOXC1 protein (p.Gly343Arg). This variant is not present in population databases (gnomAD no frequency). This variant has not been reported in the literature in individuals affected with FOXC1-related conditions. ClinVar contains an entry for this variant (Variation ID: 1926956). An algorithm developed to predict the effect of missense changes on protein structure and function (PolyPhen-2) suggests that this variant is likely to be disruptive. In summary, the available evidence is currently insufficient to determine the role of this variant in disease. Therefore, it has been classified as a Variant of Uncertain Significance.